The following is an entry in ClinVar:

NM_001134831.2(AHI1):c.2261C>T (p.Thr754Ile)

Gene: AHI1 (Abelson helper integration site 1; minus strand). Cytogenetic location: 6q23.3.
Variant type: single nucleotide variant.
Coding change: c.2261C>T on transcript NM_001134831.2 (MANE Select); coding-DNA position 2261, C replaced by T.
Protein change: p.Thr754Ile; replaces threonine 754 with isoleucine.
Molecular consequence: missense variant.
Genome position (GRCh38, 1-based): chr6:135,433,032, G>A on the plus strand (C>T on the coding strand, the complement: AHI1 is on the minus strand). VCF-style: chr6-135433032-G-A. GRCh37 (hg19) VCF-style: chr6-135754170-G-A.
Other names: c.2261C>T, p.Thr754Ile (NM_001134830.2, NM_001134832.2, NM_001350503.2 and 2 more transcripts); c.2261C>T (NM_017651.4); short protein forms T754I.
Identifiers: ClinVar variation 2137908 (VCV002137908.5), dbSNP rs1784886281, ClinGen allele CA365743360.

ClinVar aggregate classification (germline): Conflicting classifications of pathogenicity. Review status: criteria provided, conflicting classifications (1 of 4 stars). 2 submissions from 2 submitters: Uncertain significance (1); Likely benign (1). Last evaluated 2025-07-07.

Conditions:
Inborn genetic diseases. Identifiers: MedGen C0950123, MeSH D030342.
Joubert syndrome. Also called: CEREBELLOPARENCHYMAL DISORDER IV; JOUBERT-BOLTSHAUSER SYNDROME; Familial aplasia of the vermis. Identifiers: Orphanet 475, MedGen C5979921, MONDO:0018772.

Allele frequency attached by ClinVar (database versions not stated): TOPMed below 0.00001.

Submissions (2):

Labcorp Genetics (formerly Invitae), Labcorp
Classification: Uncertain significance for Joubert syndrome. Last evaluated: 2025-07-07. Review status: criteria provided, single submitter. Criteria: Invitae Variant Classification Sherloc (09022015). Collection method: clinical testing. Allele origin: germline.
Comment: This sequence change replaces threonine, which is neutral and polar, with isoleucine, which is neutral and non-polar, at codon 754 of the AHI1 protein (p.Thr754Ile). This variant is not present in population databases (gnomAD no frequency). This variant has not been reported in the literature in individuals affected with AHI1-related conditions. ClinVar contains an entry for this variant (Variation ID: 2137908). Invitae Evidence Modeling of protein sequence and biophysical properties (such as structural, functional, and spatial information, amino acid conservation, physicochemical variation, residue mobility, and thermodynamic stability) indicates that this missense variant is not expected to disrupt AHI1 protein function with a negative predictive value of 95%. In summary, the available evidence is currently insufficient to determine the role of this variant in disease. Therefore, it has been classified as a Variant of Uncertain Significance.

Ambry Genetics
Classification: Likely benign for Inborn genetic diseases. Last evaluated: 2021-07-06. Review status: criteria provided, single submitter. Criteria: Ambry Variant Classification Scheme 2023. Collection method: clinical testing. Allele origin: germline.